The following is an entry in ClinVar:

ClinVar aggregate classification (germline): Benign/Likely benign. Review status: criteria provided, multiple submitters, no conflicts (2 of 4 stars). 8 submissions from 8 submitters: Benign (4); Likely benign (2). 2 of the submissions do not count toward it. Last evaluated 2026-02-01.

Conditions:
Microcephaly 5, primary, autosomal recessive (MCPH5). Also called: ASPM Primary Microcephaly. Identifiers: Orphanet 2512, MedGen C1837501, MONDO:0012106, OMIM 608716.

Allele frequency attached by ClinVar (database versions not stated): 1000 Genomes Project 0.01278; ExAC 0.01767; gnomAD 0.01806 and 0.01792; 1000 Genomes Project 30x 0.01296; gnomAD exomes 0.01622 and 0.01952; ESP Exome Variant Server 0.02130; TOPMed 0.01824.
gnomAD v4.1: 30,978 of 1,599,632 alleles (1.9%); highest among the groups gnomAD compares: Non-Finnish European, 2.1%; 342 homozygotes.

Submissions (8):

Labcorp Genetics (formerly Invitae), Labcorp
Classification: Benign. Last evaluated: 2026-02-01. Review status: criteria provided, single submitter. Criteria: Invitae Variant Classification Sherloc (09022015). Collection method: clinical testing. Allele origin: germline.

Genome-Nilou Lab
Classification: Benign for Microcephaly 5, primary, autosomal recessive. Last evaluated: 2023-04-11. Review status: criteria provided, single submitter. Criteria: ACMG Guidelines, 2015. Collection method: clinical testing. Allele origin: germline. Affected: no.

Illumina Laboratory Services, Illumina
Classification: Likely benign for Microcephaly 5, primary, autosomal recessive. Last evaluated: 2018-01-13. Review status: criteria provided, single submitter. Criteria: ICSL Variant Classification Criteria 13 December 2019. Collection method: clinical testing. Allele origin: germline.
Comment: This variant was observed in the ICSL laboratory as part of a predisposition screen in an ostensibly healthy population. It had not been previously curated by ICSL or reported in the Human Gene Mutation Database (HGMD: prior to June 1st, 2018), and was therefore a candidate for classification through an automated scoring system. Utilizing variant allele frequency, disease prevalence and penetrance estimates, and inheritance mode, an automated score was calculated to assess if this variant is too frequent to cause the disease. Based on the score and internal cut-off values, a variant classified as likely benign is not then subjected to further curation. The score for this variant resulted in a classification of likely benign for this disease.

GeneDx
Classification: Benign. Last evaluated: 2014-01-13. Review status: criteria provided, single submitter. Criteria: GeneDx Variant Classification (06012015). Collection method: clinical testing. Allele origin: germline. Affected: yes.
Comment: This variant is considered likely benign or benign based on one or more of the following criteria: it is a conservative change, it occurs at a poorly conserved position in the protein, it is predicted to be benign by multiple in silico algorithms, and/or has population frequency not consistent with disease.

Genetic Services Laboratory, University of Chicago
Classification: Benign. Last evaluated: 2013-02-08. Review status: criteria provided, single submitter. Criteria: ACMG Guidelines, 2007. Collection method: clinical testing. Allele origin: germline. Inheritance: Autosomal recessive inheritance.

Breakthrough Genomics
Classification: Likely benign. Review status: criteria provided, single submitter. Criteria: ACMG Guidelines, 2015. Collection method: not provided. Allele origin: germline. Inheritance: Autosomal recessive inheritance. Affected: yes.

Clinical Genetics DNA and cytogenetics Diagnostics Lab, Erasmus MC, Erasmus Medical Center
Classification: Benign. Review status: no assertion criteria provided. Collection method: clinical testing. Allele origin: germline. Affected: yes. Study: VKGL Data-share Consensus. Not counted in ClinVar's aggregate classification.

Joint Genome Diagnostic Labs from Nijmegen and Maastricht, Radboudumc and MUMC+
Classification: Benign. Review status: no assertion criteria provided. Collection method: clinical testing. Allele origin: germline. Affected: yes. Study: VKGL Data-share Consensus. Not counted in ClinVar's aggregate classification.

NM_018136.5(ASPM):c.2419+12G>A

Gene: ASPM (assembly factor for spindle microtubules; minus strand). Cytogenetic location: 1q31.3.
Variant type: single nucleotide variant.
Coding change: c.2419+12G>A on transcript NM_018136.5 (MANE Select); 12 bases into the intron after coding-DNA position 2419, G replaced by A.
Molecular consequence: intron variant.
Genome position (GRCh38, 1-based): chr1:197,133,338, C>T on the plus strand (G>A on the coding strand, the complement: ASPM is on the minus strand). VCF-style: chr1-197133338-C-T. GRCh37 (hg19) VCF-style: chr1-197102468-C-T.
Other names: c.2419+12G>A (NM_001206846.2).
Identifiers: ClinVar variation 136423 (VCV000136423.21), dbSNP rs77191836, ClinGen allele CA171189.